The following is an entry in ClinVar:

NM_001277115.2(DNAH11):c.2486G>C (p.Arg829Pro)

Gene: DNAH11 (dynein axonemal heavy chain 11; plus strand). Cytogenetic location: 7p15.3.
Variant type: single nucleotide variant.
Coding change: c.2486G>C on transcript NM_001277115.2 (MANE Select); coding-DNA position 2486, G replaced by C.
Protein change: p.Arg829Pro; replaces arginine 829 with proline.
Molecular consequence: missense variant.
Genome position (GRCh38, 1-based): chr7:21,591,396, G>C. VCF-style: chr7-21591396-G-C. GRCh37 (hg19) VCF-style: chr7-21631014-G-C.
Other names: short protein forms R829P.
Identifiers: ClinVar variation 1450138 (VCV001450138.8), dbSNP rs201261243, ClinGen allele CA366942809.

ClinVar aggregate classification (germline): Uncertain significance (1 of 4 stars; one submission).

Conditions:
Primary ciliary dyskinesia. Also called: Ciliary dyskinesia. Identifiers: Orphanet 244, MedGen C0008780, MONDO:0016575, HP:0012265.

gnomAD v4.1: 6 of 1,613,900 alleles (0.00037%); highest among the groups gnomAD compares: Non-Finnish European, 0.00042%; no homozygotes.

Submission:

Labcorp Genetics (formerly Invitae), Labcorp
Classification: Uncertain significance for Primary ciliary dyskinesia. Last evaluated: 2021-05-06. Review status: criteria provided, single submitter. Criteria: Invitae Variant Classification Sherloc (09022015). Collection method: clinical testing. Allele origin: germline.
Comment: In summary, the available evidence is currently insufficient to determine the role of this variant in disease. Therefore, it has been classified as a Variant of Uncertain Significance. This sequence change replaces arginine with proline at codon 829 of the DNAH11 protein (p.Arg829Pro). The arginine residue is weakly conserved and there is a moderate physicochemical difference between arginine and proline. This variant is not present in population databases (ExAC no frequency). This variant has not been reported in the literature in individuals with DNAH11-related conditions. Advanced modeling of protein sequence and biophysical properties (such as structural, functional, and spatial information, amino acid conservation, physicochemical variation, residue mobility, and thermodynamic stability) performed at Invitae indicates that this missense variant is not expected to disrupt DNAH11 protein function.